The following is an entry in ClinVar:

ClinVar aggregate classification (germline): Uncertain significance (1 of 4 stars; one submission).

Conditions:
Cohen syndrome (COH1). Also called: PEPPER SYNDROME; Cutis verticis gyrata, retinitis pigmentosa, and sensorineural deafness. Identifiers: Orphanet 193, MedGen C0265223, MONDO:0008999, OMIM 216550.

gnomAD v4.1: 3 of 1,614,016 alleles (0.00019%); highest among the groups gnomAD compares: Non-Finnish European, 0.00025%; no homozygotes.

Submission:

Labcorp Genetics (formerly Invitae), Labcorp
Classification: Uncertain significance for Cohen syndrome. Last evaluated: 2025-04-11. Review status: criteria provided, single submitter. Criteria: Invitae Variant Classification Sherloc (09022015). Collection method: clinical testing. Allele origin: germline.
Comment: This sequence change replaces tyrosine, which is neutral and polar, with phenylalanine, which is neutral and non-polar, at codon 1130 of the VPS13B protein (p.Tyr1130Phe). This variant is present in population databases (rs745405123, gnomAD 0.0009%). This variant has not been reported in the literature in individuals affected with VPS13B-related conditions. Invitae Evidence Modeling of protein sequence and biophysical properties (such as structural, functional, and spatial information, amino acid conservation, physicochemical variation, residue mobility, and thermodynamic stability) indicates that this missense variant is expected to disrupt VPS13B protein function with a positive predictive value of 80%. In summary, the available evidence is currently insufficient to determine the role of this variant in disease. Therefore, it has been classified as a Variant of Uncertain Significance.

NM_152564.5(VPS13B):c.3389A>T (p.Tyr1130Phe)

Gene: VPS13B (vacuolar protein sorting 13 homolog B; plus strand). Cytogenetic location: 8q22.2.
Variant type: single nucleotide variant.
Coding change: c.3389A>T on transcript NM_152564.5 (MANE Select); coding-DNA position 3389, A replaced by T.
Protein change: p.Tyr1130Phe; replaces tyrosine 1130 with phenylalanine.
Molecular consequence: missense variant.
Genome position (GRCh38, 1-based): chr8:99,442,579, A>T. VCF-style: chr8-99442579-A-T. GRCh37 (hg19) VCF-style: chr8-100454807-A-T.
Other names: c.3389A>T, p.Tyr1130Phe (NM_017890.5); short protein forms Y1130F.
Identifiers: ClinVar variation 4754316 (VCV004754316.1).